The following is an entry in ClinVar:

ClinVar aggregate classification (germline): Uncertain significance (1 of 4 stars; one submission).

Submission:

Labcorp Genetics (formerly Invitae), Labcorp
Classification: Uncertain significance. Last evaluated: 2025-05-05. Review status: criteria provided, single submitter. Criteria: Invitae Variant Classification Sherloc (09022015). Collection method: clinical testing. Allele origin: germline.
Comment: This sequence change falls in intron 4 of the CPA1 gene. It does not directly change the encoded amino acid sequence of the CPA1 protein. This variant is not present in population databases (gnomAD no frequency). This variant has not been reported in the literature in individuals affected with CPA1-related conditions. In summary, the available evidence is currently insufficient to determine the role of this variant in disease. Therefore, it has been classified as a Variant of Uncertain Significance.

NM_001868.4(CPA1):c.483+19_483+34del

Gene: CPA1 (carboxypeptidase A1; plus strand). Cytogenetic location: 7q32.2.
Variant type: Deletion.
Coding change: c.483+19_483+34del on transcript NM_001868.4 (MANE Select); bases 19 to 34 of the intron after coding-DNA position 483, 16 bases deleted (CATACACAGGGGAGAA).
Molecular consequence: intron variant.
Genome position (GRCh38, 1-based): chr7:130,382,228-130,382,243, CATACACAGGGGAGAA deleted; deleting any 16 consecutive bases within chr7:130,382,227-130,382,243 gives the same sequence; the c. name uses the placement nearest the transcript's 3' end. VCF-style (leftmost placement, unchanged base first): chr7-130382226-GACATACACAGGGGAGA-G. GRCh37 (hg19) VCF-style: chr7-130022067-GACATACACAGGGGAGA-G.
Identifiers: ClinVar variation 4718949 (VCV004718949.1).